The following is an entry in ClinVar:

NR_023317.1(RNU7-1):n.36C>T

Genes: C12orf57 (chromosome 12 open reading frame 57; plus strand), RNU7-1 (RNA, U7 small nuclear 1; plus strand). Cytogenetic location: 12p13.31.
Variant type: single nucleotide variant.
Molecular consequence: non-coding transcript variant (on NR_023317.1). On other transcripts: intron variant (2).
Genome position: GRCh38 VCF-style: chr12-6943851-C-T. GRCh37 (hg19) VCF-style: chr12-7053014-C-T.
Other names: c.13+189C>T (NM_001301836.2); c.-16+189C>T (NM_001301834.1).
Identifiers: ClinVar variation 1301230 (VCV001301230.25), dbSNP rs116861153, ClinGen allele CA232435282.

ClinVar aggregate classification (germline): Benign/Likely benign. Review status: criteria provided, multiple submitters, no conflicts (2 of 4 stars). 3 submissions from 3 submitters: Benign (2); Likely benign (1). Last evaluated 2026-07-01.

Allele frequency attached by ClinVar (database versions not stated): 1000 Genomes Project 0.00659; 1000 Genomes Project 30x 0.00781.
gnomAD v4.1: 2,730 of 900,868 alleles (0.3%); highest among the groups gnomAD compares: African/African-American, 1.4%; 15 homozygotes.

Submissions (3):

CeGaT Center for Human Genetics Tuebingen
Classification: Benign. Last evaluated: 2026-07-01. Review status: criteria provided, single submitter. Criteria: CeGaT Center For Human Genetics Tuebingen Variant Classification Criteria Version 2. Collection method: clinical testing. Allele origin: germline. Affected: yes. Observed: 15 variant alleles.
Comment: RNU7-1: BS1, BS2

Women's Health and Genetics/Laboratory Corporation of America, LabCorp
Classification: Benign. Last evaluated: 2026-02-12. Review status: criteria provided, single submitter. Criteria: LabCorp Variant Classification Summary - May 2015. Collection method: clinical testing. Allele origin: germline.
Comment: Variant summary: RNU7-1 n.36C>T alters a nucleotide in the non-coding RNA. The variant allele was found at a frequency of 0.0049 in 31406 control chromosomes, predominantly at a frequency of 0.013 within the African or African-American subpopulation in the gnomAD database. The observed variant frequency within African or African-American control individuals in the gnomAD database exceeds the estimated maximal expected allele frequency for disease-causing variants in RNU7-1. To our knowledge, no occurrence of n.36C>T in individuals affected with RNU7-1-related conditions and no experimental evidence demonstrating its impact on protein function have been reported. ClinVar contains an entry for this variant (Variation ID: 1301230). Based on the evidence outlined above, the variant was classified as benign.

GeneDx
Classification: Likely benign. Last evaluated: 2021-03-29. Review status: criteria provided, single submitter. Criteria: GeneDx Variant Classification Process June 2021. Collection method: clinical testing. Allele origin: germline. Affected: yes.